The following is an entry in ClinVar:

NM_004974.4(KCNA2):c.46C>T (p.Pro16Ser)

Gene: KCNA2 (potassium voltage-gated channel subfamily A member 2; minus strand). Cytogenetic location: 1p13.3.
Variant type: single nucleotide variant.
Coding change: c.46C>T on transcript NM_004974.4 (MANE Select); coding-DNA position 46, C replaced by T.
Protein change: p.Pro16Ser; replaces proline 16 with serine.
Molecular consequence: missense variant.
Genome position (GRCh38, 1-based): chr1:110,604,737, G>A on the plus strand (C>T on the coding strand, the complement: KCNA2 is on the minus strand). VCF-style: chr1-110604737-G-A. GRCh37 (hg19) VCF-style: chr1-111147359-G-A.
Other names: c.46C>T, p.Pro16Ser (NM_001204269.2); short protein forms P16S.
Identifiers: ClinVar variation 663887 (VCV000663887.9), dbSNP rs1570754155, ClinGen allele CA341607313.

ClinVar aggregate classification (germline): Uncertain significance (1 of 4 stars; one submission).

Conditions:
Developmental and epileptic encephalopathy, 32 (DEE32). Also called: Epileptic encephalopathy, early infantile, 32. Identifiers: Orphanet 442835, MedGen C4225350, MONDO:0014607, OMIM 616366.

Allele frequency attached by ClinVar (database versions not stated): gnomAD exomes below 0.00001.

Submission:

Labcorp Genetics (formerly Invitae), Labcorp
Classification: Uncertain significance for Developmental and epileptic encephalopathy, 32. Last evaluated: 2024-04-15. Review status: criteria provided, single submitter. Criteria: Invitae Variant Classification Sherloc (09022015). Collection method: clinical testing. Allele origin: germline.
Comment: This sequence change replaces proline, which is neutral and non-polar, with serine, which is neutral and polar, at codon 16 of the KCNA2 protein (p.Pro16Ser). This variant is not present in population databases (gnomAD no frequency). This variant has not been reported in the literature in individuals affected with KCNA2-related conditions. ClinVar contains an entry for this variant (Variation ID: 663887). Advanced modeling of protein sequence and biophysical properties (such as structural, functional, and spatial information, amino acid conservation, physicochemical variation, residue mobility, and thermodynamic stability) performed at Invitae indicates that this missense variant is not expected to disrupt KCNA2 protein function with a negative predictive value of 95%. In summary, the available evidence is currently insufficient to determine the role of this variant in disease. Therefore, it has been classified as a Variant of Uncertain Significance.